The following is an entry in ClinVar:

NM_006231.4(POLE):c.5317G>A (p.Gly1773Ser)

Gene: POLE (DNA polymerase epsilon, catalytic subunit; minus strand). Cytogenetic location: 12q24.33.
Variant type: single nucleotide variant.
Coding change: c.5317G>A on transcript NM_006231.4 (MANE Select); coding-DNA position 5317, G replaced by A.
Protein change: p.Gly1773Ser; replaces glycine 1773 with serine.
Molecular consequence: missense variant.
Genome position (GRCh38, 1-based): chr12:132,641,708, C>T on the plus strand (G>A on the coding strand, the complement: POLE is on the minus strand). VCF-style: chr12-132641708-C-T. GRCh37 (hg19) VCF-style: chr12-133218294-C-T.
Other names: c.5317G>A (NM_006231.2); short protein forms G1773S.
Identifiers: ClinVar variation 573736 (VCV000573736.11), dbSNP rs1565935798, ClinGen allele CA387375964.

ClinVar aggregate classification (germline): Uncertain significance. Review status: criteria provided, multiple submitters, no conflicts (2 of 4 stars). 3 submissions from 3 submitters: Uncertain significance (3). Last evaluated 2025-09-09.

Conditions:
Hereditary cancer-predisposing syndrome. Also called: Neoplastic Syndromes, Hereditary; Hereditary Cancer Syndrome; Tumor predisposition; Hereditary neoplastic syndrome. Identifiers: Orphanet 140162, MedGen C0027672, MeSH D009386, MONDO:0015356.

Allele frequency attached by ClinVar (database versions not stated): gnomAD exomes below 0.00001.
gnomAD v4.1: 1 of 1,613,726 alleles (0.000062%); highest among the groups gnomAD compares: Non-Finnish European, 0.000085%; no homozygotes.

Submissions (3):

Ambry Genetics
Classification: Uncertain significance for Hereditary cancer-predisposing syndrome. Last evaluated: 2025-09-09. Review status: criteria provided, single submitter. Criteria: Ambry Variant Classification Scheme 2023. Collection method: clinical testing. Allele origin: germline.
Comment: The p.G1773S variant (also known as c.5317G>A), located in coding exon 39 of the POLE gene, results from a G to A substitution at nucleotide position 5317. The glycine at codon 1773 is replaced by serine, an amino acid with similar properties. This amino acid position is poorly conserved in available vertebrate species. In addition, this alteration is predicted to be tolerated by in silico analysis. Based on the available evidence, the clinical significance of this variant remains unclear.

Labcorp Genetics (formerly Invitae), Labcorp
Classification: Uncertain significance. Last evaluated: 2023-12-13. Review status: criteria provided, single submitter. Criteria: Invitae Variant Classification Sherloc (09022015). Collection method: clinical testing. Allele origin: germline.
Comment: This sequence change replaces glycine, which is neutral and non-polar, with serine, which is neutral and polar, at codon 1773 of the POLE protein (p.Gly1773Ser). This variant is not present in population databases (gnomAD no frequency). This variant has not been reported in the literature in individuals affected with POLE-related conditions. ClinVar contains an entry for this variant (Variation ID: 573736). An algorithm developed to predict the effect of missense changes on protein structure and function (PolyPhen-2) suggests that this variant is likely to be tolerated. In summary, the available evidence is currently insufficient to determine the role of this variant in disease. Therefore, it has been classified as a Variant of Uncertain Significance.

GeneDx
Classification: Uncertain significance. Last evaluated: 2019-05-28. Review status: criteria provided, single submitter. Criteria: GeneDx Variant Classification Process June 2021. Collection method: clinical testing. Allele origin: germline. Affected: yes.
Comment: Not observed in large population cohorts (Lek et al., 2016); Has not been previously published as pathogenic or benign to our knowledge